The following is an entry in ClinVar:

NM_004006.3(DMD):c.6971G>C (p.Gly2324Ala)

Gene: DMD (dystrophin; minus strand). Cytogenetic location: Xp21.1.
Variant type: single nucleotide variant.
Coding change: c.6971G>C on transcript NM_004006.3 (MANE Select); coding-DNA position 6971, G replaced by C.
Protein change: p.Gly2324Ala; replaces glycine 2324 with alanine.
Molecular consequence: missense variant. On other transcripts: 5 prime UTR variant (5).
Genome position (GRCh38, 1-based): chrX:31,875,315, C>G on the plus strand (G>C on the coding strand, the complement: DMD is on the minus strand). VCF-style: chrX-31875315-C-G. GRCh37 (hg19) VCF-style: chrX-31893432-C-G.
Other names: c.6947G>C, p.Gly2316Ala (NM_000109.4); c.6959G>C, p.Gly2320Ala (NM_004009.3); c.6602G>C, p.Gly2201Ala (NM_004010.3); c.2948G>C, p.Gly983Ala (NM_004011.4); c.2939G>C, p.Gly980Ala (NM_004012.4); c.-410G>C (NM_004013.3, NM_004020.4, NM_004021.3 and 2 more transcripts); short protein forms G2320A, G2201A, G2324A, G983A, G2316A, G980A.
Identifiers: ClinVar variation 5035388 (VCV005035388.1).

ClinVar aggregate classification (germline): Uncertain significance (1 of 4 stars; one submission).

Conditions:
Cardiovascular phenotype. Identifiers: MedGen CN230736.

Submission:

Ambry Genetics
Classification: Uncertain significance for Cardiovascular phenotype. Last evaluated: 2026-07-17. Review status: criteria provided, single submitter. Criteria: Ambry Variant Classification Scheme 2023. Collection method: clinical testing. Allele origin: germline.
Comment: The p.G2324A variant (also known as c.6971G>C), located in coding exon 48 of the DMD gene, results from a G to C substitution at nucleotide position 6971. The glycine at codon 2324 is replaced by alanine, an amino acid with similar properties. This amino acid position is conserved. In addition, this alteration is predicted to be tolerated by in silico analysis. Based on the available evidence, the clinical significance of this variant remains unclear.